The following is an entry in ClinVar:

ClinVar aggregate classification (germline): Uncertain significance (1 of 4 stars; one submission).

Conditions:
Charcot-Marie-Tooth disease type 2. Also called: Charcot-Marie-Tooth type 2. Identifiers: Orphanet 64746, MedGen C0270914, MONDO:0018993.

Allele frequency attached by ClinVar (database versions not stated): gnomAD exomes below 0.00001.
gnomAD v4.1: 2 of 1,614,128 alleles (0.00012%); highest among the groups gnomAD compares: Non-Finnish European, 0.00017%; no homozygotes.

Submission:

Labcorp Genetics (formerly Invitae), Labcorp
Classification: Uncertain significance for Charcot-Marie-Tooth disease type 2. Last evaluated: 2023-05-02. Review status: criteria provided, single submitter. Criteria: Invitae Variant Classification Sherloc (09022015). Collection method: clinical testing. Allele origin: germline.
Comment: Advanced modeling of protein sequence and biophysical properties (such as structural, functional, and spatial information, amino acid conservation, physicochemical variation, residue mobility, and thermodynamic stability) has been performed at Invitae for this missense variant, however the output from this modeling did not meet the statistical confidence thresholds required to predict the impact of this variant on MFN2 protein function. In summary, the available evidence is currently insufficient to determine the role of this variant in disease. Therefore, it has been classified as a Variant of Uncertain Significance. This sequence change replaces asparagine, which is neutral and polar, with aspartic acid, which is acidic and polar, at codon 525 of the MFN2 protein (p.Asn525Asp). This variant is not present in population databases (gnomAD no frequency). This variant has not been reported in the literature in individuals affected with MFN2-related conditions.

NM_014874.4(MFN2):c.1573A>G (p.Asn525Asp)

Gene: MFN2 (mitofusin 2; plus strand). Cytogenetic location: 1p36.22.
Variant type: single nucleotide variant.
Coding change: c.1573A>G on transcript NM_014874.4 (MANE Select); coding-DNA position 1573, A replaced by G.
Protein change: p.Asn525Asp; replaces asparagine 525 with aspartic acid.
Molecular consequence: missense variant.
Genome position (GRCh38, 1-based): chr1:12,005,788, A>G. VCF-style: chr1-12005788-A-G. GRCh37 (hg19) VCF-style: chr1-12065845-A-G.
Other names: c.1573A>G, p.Asn525Asp (NM_001127660.2); short protein forms N525D.
Identifiers: ClinVar variation 2786409 (VCV002786409.3), dbSNP rs2523087565, ClinGen allele CA338447975.
Genomic context (GRCh38, chr1:12,005,788, plus strand): 5'-CTTCCTGTGTCTGTGCGGAGTCAGATAGACATGCTGGTCCCACGCCAGTGCTTCTCCCTC[A>G]ACTATGACCTAAACTGTGACAAGCTGTGTGCTGACTTCCAGGAAGACATTGAGTTCCATT-3'
Protein context (NP_055689.1, residues 515-535): MLVPRQCFSL[Asn525Asp]YDLNCDKLCA